The following is an entry in ClinVar:

ClinVar aggregate classification (germline): Uncertain significance (1 of 4 stars; one submission).

Conditions:
3-methylglutaconic aciduria, type VIIB (MGCA7B). Also called: CLPB Deficiency; 3-methylglutaconic aciduria, type VII, with cataracts, neurologic involvement and neutropenia; 3-methylglutaconic aciduria with cataracts, neurologic involvement and neutropenia. Identifiers: Orphanet 445038, MedGen C5676893, MONDO:0014561, OMIM 616271.

Submission:

Labcorp Genetics (formerly Invitae), Labcorp
Classification: Uncertain significance for 3-methylglutaconic aciduria, type VIIB. Last evaluated: 2025-02-26. Review status: criteria provided, single submitter. Criteria: Invitae Variant Classification Sherloc (09022015). Collection method: clinical testing. Allele origin: germline.
Comment: This sequence change replaces arginine, which is basic and polar, with lysine, which is basic and polar, at codon 408 of the CLPB protein (p.Arg408Lys). This variant is not present in population databases (gnomAD no frequency). This variant has not been reported in the literature in individuals affected with CLPB-related conditions. An algorithm developed to predict the effect of missense changes on protein structure and function (PolyPhen-2) suggests that this variant is likely to be disruptive. In summary, the available evidence is currently insufficient to determine the role of this variant in disease. Therefore, it has been classified as a Variant of Uncertain Significance.

NM_001258392.3(CLPB):c.1133G>A (p.Arg378Lys)

Genes: CLPB (ClpB family mitochondrial disaggregase; minus strand), LOC126861258 (MED14-independent group 3 enhancer GRCh37_chr11:72012242-72013441; plus strand). Cytogenetic location: 11q13.4.
Variant type: single nucleotide variant.
Coding change: c.1133G>A on transcript NM_001258392.3 (MANE Select); coding-DNA position 1133, G replaced by A.
Protein change: p.Arg378Lys; replaces arginine 378 with lysine.
Molecular consequence: missense variant.
Genome position (GRCh38, 1-based): chr11:72,302,338, C>T on the plus strand (G>A on the coding strand, the complement: CLPB is on the minus strand). VCF-style: chr11-72302338-C-T. GRCh37 (hg19) VCF-style: chr11-72013382-C-T.
Other names: c.1046G>A, p.Arg349Lys (NM_001258393.3); c.1088G>A, p.Arg363Lys (NM_001258394.3); c.1223G>A, p.Arg408Lys (NM_030813.6); short protein forms R363K, R408K, R349K, R378K.
Identifiers: ClinVar variation 4713848 (VCV004713848.1).